The following is an entry in ClinVar:

NM_004415.4(DSP):c.8300C>A (p.Thr2767Asn)

Gene: DSP (desmoplakin; plus strand). Cytogenetic location: 6p24.3.
Variant type: single nucleotide variant.
Coding change: c.8300C>A on transcript NM_004415.4 (MANE Select); coding-DNA position 8300, C replaced by A.
Protein change: p.Thr2767Asn; replaces threonine 2767 with asparagine.
Molecular consequence: missense variant.
Genome position (GRCh38, 1-based): chr6:7,585,562, C>A. VCF-style: chr6-7585562-C-A. GRCh37 (hg19) VCF-style: chr6-7585795-C-A.
Other names: p.T2767N:ACC>AAC; c.6503C>A, p.Thr2168Asn (NM_001008844.3); c.6971C>A, p.Thr2324Asn (NM_001319034.2); c.8300C>A (NM_004415.3); short protein forms T2767N, T2324N, T2168N.
Identifiers: ClinVar variation 44963 (VCV000044963.66), dbSNP rs34884895, ClinGen allele CA007447.

ClinVar aggregate classification (germline): Benign/Likely benign. Review status: criteria provided, multiple submitters, no conflicts (2 of 4 stars). 19 submissions from 19 submitters: Benign (12); Likely benign (2). 5 of the submissions do not count toward it. Last evaluated 2026-09-21.

Conditions:
Hypertrophic cardiomyopathy. Also called: HYPERTROPHIC MYOCARDIOPATHY. Identifiers: Orphanet 217569, MedGen C0007194, MeSH D002312, MONDO:0005045, HP:0001639.
Systolic heart failure. Identifiers: MedGen C1135191, MONDO:0006993.
Arrhythmogenic cardiomyopathy with wooly hair and keratoderma. Also called: Dilated cardiomyopathy with woolly hair and keratoderma; Carvajal syndrome; PALMOPLANTAR KERATODERMA WITH LEFT VENTRICULAR CARDIOMYOPATHY AND WOOLLY HAIR; Arrhythmogenic cardiomyopathy with woolly hair and keratoderma. Identifiers: Orphanet 65282, MedGen C1854063, MONDO:0011581, OMIM 605676.
Arrhythmogenic right ventricular dysplasia 8 (ARVD8). Also called: Arrhythmogenic Right Ventricular Dysplasia/Cardiomyopathy 8; ARRHYTHMOGENIC RIGHT VENTRICULAR DYSPLASIA, FAMILIAL, 8; ARRHYTHMOGENIC RIGHT VENTRICULAR CARDIOMYOPATHY 8. Identifiers: MedGen C1843896, MONDO:0011831, OMIM 607450.
Cardiomyopathy (CMYO). Also called: Cardiomyopathies. Identifiers: Orphanet 167848, MedGen C0878544, MONDO:0004994, HP:0001638. Inheritance: Various modes of inheritance.
Lethal acantholytic epidermolysis bullosa (EBLA). Identifiers: Orphanet 158687, MedGen C1864826, MONDO:0012323, OMIM 609638.
Cardiomyopathy, dilated, with wooly hair, keratoderma, and tooth agenesis. Also called: Cardiomyopathy, dilated, with woolly hair, keratoderma, and tooth agenesis; Erythrokeratodermia-cardiomyopathy syndrome. Identifiers: Orphanet 476096, Orphanet 65282, MedGen C4014393, MONDO:0014355, OMIM 615821.
Keratosis palmoplantaris striata 2. Also called: KERATODERMA, PALMOPLANTAR, STRIATE FORM II; STRIATE PALMOPLANTAR KERATODERMA II; Keratosis palmoplantaris striata II. Identifiers: MedGen C1852127, MONDO:0013034, OMIM 612908.
Woolly hair-skin fragility syndrome (WHSF). Identifiers: Orphanet 293165, MedGen C1843292, MONDO:0957307, OMIM 620415.

Allele frequency attached by ClinVar (database versions not stated): gnomAD exomes 0.00171; ExAC 0.00212; TOPMed 0.00643; gnomAD 0.00647 and 0.00701; 1000 Genomes Project 0.00699; ESP Exome Variant Server 0.00769; 1000 Genomes Project 30x 0.00781.
gnomAD v4.1: 1,913 of 1,614,108 alleles (0.12%); highest among the groups gnomAD compares: African/African-American, 2.3%; 14 homozygotes.

Submissions (19):

Molecular Diagnostic Laboratory for Inherited Cardiovascular Disease, Montreal Heart Institute
Classification: Benign. Last evaluated: 2026-09-21. Review status: criteria provided, single submitter. Criteria: ACMG Guidelines, 2015. Collection method: clinical testing. Allele origin: germline. Affected: no.
Comment: BS1;BP4;BP6

Labcorp Genetics (formerly Invitae), Labcorp
Classification: Benign for Arrhythmogenic cardiomyopathy with wooly hair and keratoderma; Arrhythmogenic right ventricular dysplasia 8. Last evaluated: 2026-02-03. Review status: criteria provided, single submitter. Criteria: Invitae Variant Classification Sherloc (09022015). Collection method: clinical testing. Allele origin: germline.

Blueprint Genetics
Classification: Likely benign. Last evaluated: 2024-11-01. Review status: criteria provided, single submitter. Criteria: ACMG Guidelines, 2015. Collection method: clinical testing. Allele origin: germline.

Mayo Clinic Laboratories, Mayo Clinic
Classification: Benign. Last evaluated: 2024-06-11. Review status: criteria provided, single submitter. Criteria: ACMG Guidelines, 2015. Collection method: clinical testing. Allele origin: germline. Observed: 8 variant alleles.
Comment: BS1, BS2, BP4

ARUP Laboratories, Molecular Genetics and Genomics, ARUP Laboratories
Classification: Benign. Last evaluated: 2024-01-11. Review status: criteria provided, single submitter. Criteria: ARUP Molecular Germline Variant Investigation Process 2024. Collection method: clinical testing. Allele origin: germline.

CHEO Genetics Diagnostic Laboratory, Children's Hospital of Eastern Ontario
Classification: Benign for Cardiomyopathy. Last evaluated: 2023-06-09. Review status: criteria provided, single submitter. Criteria: ACMG Guidelines, 2015. Collection method: clinical testing. Allele origin: germline. Study: Canadian Open Genetics Repository.

CeGaT Center for Human Genetics Tuebingen
Classification: Benign. Last evaluated: 2022-12-01. Review status: criteria provided, single submitter. Criteria: CeGaT Center For Human Genetics Tuebingen Variant Classification Criteria Version 2. Collection method: clinical testing. Allele origin: germline. Affected: yes. Observed: 1 variant allele.
Comment: DSP: BP4, BS1, BS2

Fulgent Genetics
Classification: Benign for Arrhythmogenic cardiomyopathy with wooly hair and keratoderma; Arrhythmogenic right ventricular dysplasia 8; Lethal acantholytic epidermolysis bullosa; Keratosis palmoplantaris striata 2; Cardiomyopathy, dilated, with wooly hair, keratoderma, and tooth agenesis. Last evaluated: 2021-07-28. Review status: criteria provided, single submitter. Criteria: ACMG Guidelines, 2015. Collection method: clinical testing. Allele origin: unknown.

Center for Advanced Laboratory Medicine, UC San Diego Health, University of California San Diego
Classification: Benign for Hypertrophic cardiomyopathy; Heart failure, systolic. Last evaluated: 2019-06-03. Review status: criteria provided, single submitter. Criteria: ACMG Guidelines, 2015. Collection method: clinical testing. Allele origin: germline. Affected: yes. Observed: 2 variant alleles.

Color Diagnostics, LLC DBA Color Health
Classification: Benign for Cardiomyopathy. Last evaluated: 2018-07-22. Review status: criteria provided, single submitter. Criteria: ACMG Guidelines, 2015. Collection method: clinical testing. Allele origin: germline.

GeneDx
Classification: Benign. Last evaluated: 2014-01-23. Review status: criteria provided, single submitter. Criteria: GeneDx Variant Classification (06012015). Collection method: clinical testing. Allele origin: germline. Affected: yes.
Comment: This variant is considered likely benign or benign based on one or more of the following criteria: it is a conservative change, it occurs at a poorly conserved position in the protein, it is predicted to be benign by multiple in silico algorithms, and/or has population frequency not consistent with disease.

Biesecker Lab/Clinical Genomics Section, National Institutes of Health
Classification: Benign. Last evaluated: 2013-06-24. Review status: criteria provided, single submitter. Criteria: Ng et al. (Circ Cardiovasc Genet. 2013). Collection method: research. Allele origin: unknown. Observed: 1 variant allele. Study: ClinSeq.
Comment: The study set was not selected for affection status in relation to any cancer. Pathogenicity categories were based on literature curation. See Pubmed ID:23861362 for details.

Medical sequencing

Laboratory for Molecular Medicine, Mass General Brigham Personalized Medicine
Classification: Benign. Last evaluated: 2012-03-19. Review status: criteria provided, single submitter. Criteria: LMM Criteria. Collection method: clinical testing. Allele origin: germline. Observed: 8 variant alleles.
Comment: p.Thr2767Asn in Exon 24 of DSP: This variant is not expected to have clinical si gnificance because it has been identified in 2.3% (87/3738) of African American chromosomes from a broad population by the NHLBI Exome Sequencing Project (dbSNP rs34884895).

Breakthrough Genomics
Classification: Likely benign. Review status: criteria provided, single submitter. Criteria: ACMG Guidelines, 2015. Collection method: not provided. Allele origin: germline. Inheritance: Autosomal recessive inheritance. Affected: yes.

Cohesion Phenomics
Classification: Benign for Cardiomyopathy. Last evaluated: 2022-09-23. Review status: no assertion criteria provided. Criteria: ACMG Guidelines, 2015. Collection method: clinical testing. Allele origin: germline. Affected: yes. Not counted in ClinVar's aggregate classification.

Clinical Genetics DNA and cytogenetics Diagnostics Lab, Erasmus MC, Erasmus Medical Center
Classification: Benign. Review status: no assertion criteria provided. Collection method: clinical testing. Allele origin: germline. Affected: yes. Study: VKGL Data-share Consensus. Not counted in ClinVar's aggregate classification.

Clinical Genetics, Academic Medical Center
Classification: Benign. Review status: no assertion criteria provided. Collection method: clinical testing. Allele origin: germline. Affected: yes. Study: VKGL Data-share Consensus. Not counted in ClinVar's aggregate classification.

Genome Diagnostics Laboratory, University Medical Center Utrecht
Classification: Benign. Review status: no assertion criteria provided. Collection method: clinical testing. Allele origin: germline. Affected: yes. Study: VKGL Data-share Consensus. Not counted in ClinVar's aggregate classification.

Joint Genome Diagnostic Labs from Nijmegen and Maastricht, Radboudumc and MUMC+
Classification: Benign. Review status: no assertion criteria provided. Collection method: clinical testing. Allele origin: germline. Affected: yes. Study: VKGL Data-share Consensus. Not counted in ClinVar's aggregate classification.